The following is an entry in ClinVar:

NM_012448.4(STAT5B):c.1433C>T (p.Ala478Val)

Gene: STAT5B (signal transducer and activator of transcription 5B; minus strand). Cytogenetic location: 17q21.2.
Variant type: single nucleotide variant.
Coding change: c.1433C>T on transcript NM_012448.4 (MANE Select); coding-DNA position 1433, C replaced by T.
Protein change: p.Ala478Val; replaces alanine 478 with valine.
Molecular consequence: missense variant.
Genome position (GRCh38, 1-based): chr17:42,216,054, G>A on the plus strand (C>T on the coding strand, the complement: STAT5B is on the minus strand). VCF-style: chr17-42216054-G-A. GRCh37 (hg19) VCF-style: chr17-40368072-G-A.
Other names: short protein forms A478V.
Identifiers: ClinVar variation 517661 (VCV000517661.7), dbSNP rs1555548678, ClinGen allele CA399580679.

ClinVar aggregate classification (germline): Uncertain significance. Review status: criteria provided, single submitter (1 of 4 stars). 3 submissions from 3 submitters: Uncertain significance (1). 2 of the submissions do not count toward it. Last evaluated 2024-10-28.

Conditions:
Growth hormone insensitivity with immune dysregulation 1, autosomal recessive. Also called: GROWTH HORMONE INSENSITIVITY DUE TO POSTRECEPTOR DEFECT; Laron syndrome with immunodeficiency; LARON SYNDROME DUE TO POSTRECEPTOR DEFECT; GROWTH HORMONE INSENSITIVITY SYNDROME WITH IMMUNE DYSREGULATION 1, AUTOSOMAL RECESSIVE. Identifiers: Orphanet 220465, MedGen C5435698, MONDO:0100211, OMIM 245590.
Growth hormone insensitivity syndrome with immune dysregulation 2, autosomal dominant. Identifiers: MedGen C5436546, MONDO:0100219, OMIM 618985.

Allele frequency attached by ClinVar (database versions not stated): gnomAD 0.00001.
gnomAD v4.1: 1 of 1,613,742 alleles (0.000062%); highest among the groups gnomAD compares: African/African-American, 0.0013%; no homozygotes.

Submissions (3):

GeneDx
Classification: Uncertain significance. Last evaluated: 2024-10-28. Review status: criteria provided, single submitter. Criteria: GeneDx Variant Classification Process June 2021. Collection method: clinical testing. Allele origin: germline. Affected: yes.
Comment: Has been reported as segregating in an autosomal dominant fashion in a family with postnatal growth failure and immune dysregulation (PMID: 29844444); Published functional studies suggest this variant has a dominant-negative damaging effect (PMID: 29844444); Not observed at significant frequency in large population cohorts (gnomAD); In silico analysis supports that this missense variant has a deleterious effect on protein structure/function; This variant is associated with the following publications: (PMID: 29844444)

OMIM
Classification: Pathogenic for GROWTH HORMONE INSENSITIVITY SYNDROME WITH IMMUNE DYSREGULATION 2, AUTOSOMAL DOMINANT. Last evaluated: 2020-08-24. Review status: no assertion criteria provided. Collection method: literature only. Allele origin: germline. Not counted in ClinVar's aggregate classification.

Paediatric Endocrinology - Genetics and Genomic Medicine Program, University College London - Great Ormond Street Institute of Child Health
Classification: Pathogenic for Growth hormone insensitivity with immune dysregulation 1, autosomal recessive. Last evaluated: 2017-08-02. Review status: no assertion criteria provided. Collection method: research. Allele origin: germline, not applicable. Inheritance: Autosomal dominant inheritance. Affected: yes. Observed: 4 variant alleles, 4 heterozygotes. Clinical features observed: Mild short stature (HP:0003502), Short stature (HP:0004322), Proportionate short stature (HP:0003508), Decreased circulating serum insulin-like growth factor 1 concentration (HP:0030353), Eczematoid dermatitis (HP:0000964), Increased circulating IgE concentration (HP:0003212). Not counted in ClinVar's aggregate classification.
Comment: Functional studies have shown that the Stat5b variant results in reduced DNA binding. The Stat5b variant segregated in this family with the phenotype of short stature.

Literature cited by the submitters: PubMed 29844444 (cited by OMIM).